The following is an entry in ClinVar:

ClinVar aggregate classification (germline): Pathogenic. Review status: criteria provided, multiple submitters, no conflicts (2 of 4 stars). 2 submissions from 2 submitters: Pathogenic (2). Last evaluated 2024-02-19.

Conditions:
EXT2-related disorders.
Exostoses, multiple, type 2 (EXT2). Also called: EXOSTOSES, MULTIPLE, TYPE II; Hereditary Multiple Osteochondromatosis, Type II. Identifiers: Orphanet 321, MedGen C1851413, MONDO:0007586, OMIM 133701.

Submissions (2):

Labcorp Genetics (formerly Invitae), Labcorp
Classification: Pathogenic for Exostoses, multiple, type 2. Last evaluated: 2024-02-19. Review status: criteria provided, single submitter. Criteria: Invitae Variant Classification Sherloc (09022015). Collection method: clinical testing. Allele origin: germline.
Comment: This sequence change creates a premature translational stop signal (p.Gln382Lysfs*54) in the EXT2 gene. It is expected to result in an absent or disrupted protein product. Loss-of-function variants in EXT2 are known to be pathogenic (PMID: 10679937, 19810120). This variant is not present in population databases (gnomAD no frequency). This premature translational stop signal has been observed in individual(s) with hereditary multiple osteochondromas (PMID: 16283885). For these reasons, this variant has been classified as Pathogenic.

Blueprint Genetics
Classification: Pathogenic for EXT2-related disorders. Last evaluated: 2022-10-27. Review status: criteria provided, single submitter. Criteria: ACMG Guidelines, 2015. Collection method: clinical testing. Allele origin: germline. Affected: yes. Observed: 1 variant allele.

Literature cited by the submitters: PubMed 10679937 (cited by Labcorp Genetics (formerly Invitae), Labcorp); PubMed 19810120 (cited by Labcorp Genetics (formerly Invitae), Labcorp); PubMed 16283885 (cited by Labcorp Genetics (formerly Invitae), Labcorp).

NM_207122.2(EXT2):c.1144del (p.Gln382fs)

Gene: EXT2 (exostosin glycosyltransferase 2; plus strand). Cytogenetic location: 11p11.2.
Variant type: Deletion.
Coding change: c.1144del on transcript NM_207122.2 (MANE Select); coding-DNA position 1144, one base deleted (C; older notation c.1144delC).
Protein change: p.Gln382fs; shifts the reading frame from glutamine 382.
Molecular consequence: frameshift variant.
Genome position (GRCh38, 1-based): chr11:44,130,109, C deleted; the last of 5 consecutive C bases (chr11:44,130,105-44,130,109); deleting any one gives the same sequence. VCF-style (leftmost placement, unchanged base first): chr11-44130104-TC-T. GRCh37 (hg19) VCF-style: chr11-44151654-TC-T.
Other names: c.1243del, p.Gln415fs (NM_000401.3); c.1144del, p.Gln382fs (NM_001178083.3, NM_001389628.1, NM_001389630.1); short protein forms Q382fs, Q415fs.
Identifiers: ClinVar variation 3721019 (VCV003721019.3).